The following is an entry in ClinVar:

NM_002860.4(ALDH18A1):c.1567G>C (p.Ala523Pro)

Gene: ALDH18A1 (aldehyde dehydrogenase 18 family member A1; minus strand). Cytogenetic location: 10q24.1.
Variant type: single nucleotide variant.
Coding change: c.1567G>C on transcript NM_002860.4 (MANE Select); coding-DNA position 1567, G replaced by C.
Protein change: p.Ala523Pro; replaces alanine 523 with proline.
Molecular consequence: missense variant.
Genome position (GRCh38, 1-based): chr10:95,616,515, C>G on the plus strand (G>C on the coding strand, the complement: ALDH18A1 is on the minus strand). VCF-style: chr10-95616515-C-G. GRCh37 (hg19) VCF-style: chr10-97376272-C-G.
Other names: c.1561G>C, p.Ala521Pro (NM_001017423.2, NM_001323415.2); c.1234G>C, p.Ala412Pro (NM_001323412.2, NM_001323416.2); c.1567G>C, p.Ala523Pro (NM_001323413.2, NM_001323414.2); c.1462G>C, p.Ala488Pro (NM_001323417.2); c.1228G>C, p.Ala410Pro (NM_001323418.2); c.931G>C, p.Ala311Pro (NM_001323419.2); short protein forms A488P, A410P, A412P, A521P, A311P, A523P.
Identifiers: ClinVar variation 2939751 (VCV002939751.3), dbSNP rs1440123423, ClinGen allele CA377701001.

ClinVar aggregate classification (germline): Uncertain significance (1 of 4 stars; one submission).

Conditions:
Autosomal dominant spastic paraplegia type 9. Identifiers: MedGen C1832669, MONDO:0015091.
de Barsy syndrome. Also called: Cutis laxa-corneal clouding-oligophrenia syndrome. Identifiers: Orphanet 2962, MedGen C0268354, MONDO:0017569.
Cutis laxa, autosomal dominant 3 (ADCL3). Identifiers: Orphanet 90348, MedGen C4225268, MONDO:0014706, OMIM 616603.

Allele frequency attached by ClinVar (database versions not stated): TOPMed below 0.00001; gnomAD 0.00001.
gnomAD v4.1: 10 of 1,576,314 alleles (0.00063%); highest among the groups gnomAD compares: African/African-American, 0.0013%; no homozygotes.

Submission:

Labcorp Genetics (formerly Invitae), Labcorp
Classification: Uncertain significance for Autosomal dominant spastic paraplegia type 9; de Barsy syndrome; Cutis laxa, autosomal dominant 3. Last evaluated: 2025-09-02. Review status: criteria provided, single submitter. Criteria: Invitae Variant Classification Sherloc (09022015). Collection method: clinical testing. Allele origin: germline.
Comment: This sequence change replaces alanine, which is neutral and non-polar, with proline, which is neutral and non-polar, at codon 523 of the ALDH18A1 protein (p.Ala523Pro). This variant is not present in population databases (gnomAD no frequency). This variant has not been reported in the literature in individuals affected with ALDH18A1-related conditions. ClinVar contains an entry for this variant (Variation ID: 2939751). Invitae Evidence Modeling of protein sequence and biophysical properties (such as structural, functional, and spatial information, amino acid conservation, physicochemical variation, residue mobility, and thermodynamic stability) indicates that this missense variant is expected to disrupt ALDH18A1 protein function with a positive predictive value of 80%. In summary, the available evidence is currently insufficient to determine the role of this variant in disease. Therefore, it has been classified as a Variant of Uncertain Significance.